The following is an entry in ClinVar:

ClinVar aggregate classification (germline): Uncertain significance (1 of 4 stars; one submission).

Conditions:
Inborn genetic diseases. Identifiers: MedGen C0950123, MeSH D030342.

Allele frequency attached by ClinVar (database versions not stated): gnomAD 0.00001; gnomAD exomes 0.00001; ExAC 0.00002; TOPMed 0.00002; ESP Exome Variant Server 0.00008; 1000 Genomes Project 30x 0.00016; 1000 Genomes Project 0.00020.
gnomAD v4.1: 14 of 1,614,020 alleles (0.00087%); highest among the groups gnomAD compares: East Asian, 0.0022%; no homozygotes.

Submission:

Ambry Genetics
Classification: Uncertain significance for Inborn genetic diseases. Last evaluated: 2021-03-25. Review status: criteria provided, single submitter. Criteria: Ambry Variant Classification Scheme 2023. Collection method: clinical testing. Allele origin: germline.
Comment: The c.5746C>T (p.R1916W) alteration is located in exon 36 (coding exon 36) of the TRPM6 gene. This alteration results from a C to T substitution at nucleotide position 5746, causing the arginine (R) at amino acid position 1916 to be replaced by a tryptophan (W). The p.R1916W alteration is predicted to be tolerated by in silico analysis. Based on insufficient or conflicting evidence, the clinical significance of this alteration remains unclear.

NM_017662.5(TRPM6):c.5746C>T (p.Arg1916Trp)

Gene: TRPM6 (transient receptor potential cation channel subfamily M member 6; minus strand). Cytogenetic location: 9q21.13.
Variant type: single nucleotide variant.
Coding change: c.5746C>T on transcript NM_017662.5 (MANE Select); coding-DNA position 5746, C replaced by T.
Protein change: p.Arg1916Trp; replaces arginine 1916 with tryptophan.
Molecular consequence: missense variant.
Genome position (GRCh38, 1-based): chr9:74,738,437, G>A on the plus strand (C>T on the coding strand, the complement: TRPM6 is on the minus strand). VCF-style: chr9-74738437-G-A. GRCh37 (hg19) VCF-style: chr9-77353353-G-A.
Other names: c.5731C>T, p.Arg1911Trp (NM_001177310.2, NM_001177311.2); short protein forms R1916W, R1911W.
Identifiers: ClinVar variation 2230192 (VCV002230192.2), dbSNP rs146677759, ClinGen allele CA5083719.
Genomic context (GRCh38, chr9:74,738,437, plus strand): 5'-TGTTGTATCAAATCCTACATCATCAATCACCTTGCAAATCTAAAACCAGCAGCTCTCCCC[G>A]AGTGTACTCATAGGTCCAGTGAGAGAAAGCCAACATCAGCTCCTCCAGGGTGTTGGTGGG-3'
Protein context (NP_060132.3, residues 1906-1926): AFSHWTYEYT[Arg1916Trp]GELLVLDLQG